The following is an entry in ClinVar:

NM_013432.5(TONSL):c.610G>A (p.Ala204Thr)

Gene: TONSL (tonsoku like, DNA repair protein; minus strand). Cytogenetic location: 8q24.3.
Variant type: single nucleotide variant.
Coding change: c.610G>A on transcript NM_013432.5 (MANE Select); coding-DNA position 610, G replaced by A.
Protein change: p.Ala204Thr; replaces alanine 204 with threonine.
Molecular consequence: missense variant.
Genome position (GRCh38, 1-based): chr8:144,442,381, C>T on the plus strand (G>A on the coding strand, the complement: TONSL is on the minus strand). VCF-style: chr8-144442381-C-T. GRCh37 (hg19) VCF-style: chr8-145667764-C-T.
Other names: short protein forms A204T.
Identifiers: ClinVar variation 1018490 (VCV001018490.2), dbSNP rs547875792, ClinGen allele CA4943576.

ClinVar aggregate classification (germline): Uncertain significance (1 of 4 stars; one submission).

Allele frequency attached by ClinVar (database versions not stated): gnomAD 0.00004 and 0.00005; gnomAD exomes 0.00004; ExAC 0.00005; TOPMed 0.00006; 1000 Genomes Project 30x 0.00031; 1000 Genomes Project 0.00040.
gnomAD v4.1: 33 of 1,571,498 alleles (0.0021%); highest among the groups gnomAD compares: East Asian, 0.027%; no homozygotes.

Submission:

Labcorp Genetics (formerly Invitae), Labcorp
Classification: Uncertain significance. Last evaluated: 2022-05-06. Review status: criteria provided, single submitter. Criteria: Invitae Variant Classification Sherloc (09022015). Collection method: clinical testing. Allele origin: germline.
Comment: This sequence change replaces alanine, which is neutral and non-polar, with threonine, which is neutral and polar, at codon 204 of the TONSL protein (p.Ala204Thr). This variant is present in population databases (rs547875792, gnomAD 0.04%). This variant has not been reported in the literature in individuals affected with TONSL-related conditions. ClinVar contains an entry for this variant (Variation ID: 1018490). Algorithms developed to predict the effect of missense changes on protein structure and function are either unavailable or do not agree on the potential impact of this missense change (SIFT: "Deleterious"; PolyPhen-2: "Probably Damaging"; Align-GVGD: "Class C0"). In summary, the available evidence is currently insufficient to determine the role of this variant in disease. Therefore, it has been classified as a Variant of Uncertain Significance.